The following is an entry in ClinVar:

ClinVar aggregate classification (germline): Uncertain significance (1 of 4 stars; one submission).

Conditions:
Mucolipidosis type II. Also called: Mucolipidosis 2; ML 2; Inclusion cell disease; Leroy Disease; N-acetylglucosamine 1phosphotransferase deficiency; ML disorder type 2. Identifiers: Orphanet 576, MedGen C2673377, MONDO:0009650, OMIM 252500.

Submission:

Baylor Genetics
Classification: Uncertain significance for Mucolipidosis type II. Last evaluated: 2019-06-07. Review status: criteria provided, single submitter. Criteria: ACMG Guidelines, 2015. Collection method: clinical testing. Allele origin: unknown. Affected: yes.
Comment: This variant was determined to be of uncertain significance according to ACMG Guidelines, 2015 [PMID:25741868].

NM_024312.5(GNPTAB):c.3035A>C (p.Gln1012Pro)

Gene: GNPTAB (N-acetylglucosamine-1-phosphate transferase subunits alpha and beta; minus strand). Cytogenetic location: 12q23.2.
Variant type: single nucleotide variant.
Coding change: c.3035A>C on transcript NM_024312.5 (MANE Select); coding-DNA position 3035, A replaced by C.
Protein change: p.Gln1012Pro; replaces glutamine 1012 with proline.
Molecular consequence: missense variant.
Genome position (GRCh38, 1-based): chr12:101,761,227, T>G on the plus strand (A>C on the coding strand, the complement: GNPTAB is on the minus strand). VCF-style: chr12-101761227-T-G. GRCh37 (hg19) VCF-style: chr12-102155005-T-G.
Other names: short protein forms Q1012P.
Identifiers: ClinVar variation 1028807 (VCV001028807.1), dbSNP rs1952987310, ClinGen allele CA386295484.